The following is an entry in ClinVar:

ClinVar aggregate classification (germline): Uncertain significance (1 of 4 stars; one submission).

Allele frequency attached by ClinVar (database versions not stated): gnomAD exomes below 0.00001.
gnomAD v4.1: 1 of 1,609,038 alleles (0.000062%); highest among the groups gnomAD compares: South Asian, 0.0011%; no homozygotes.

Submission:

Labcorp Genetics (formerly Invitae), Labcorp
Classification: Uncertain significance. Last evaluated: 2023-10-03. Review status: criteria provided, single submitter. Criteria: Invitae Variant Classification Sherloc (09022015). Collection method: clinical testing. Allele origin: germline.
Comment: This sequence change replaces isoleucine, which is neutral and non-polar, with threonine, which is neutral and polar, at codon 810 of the VPS13A protein (p.Ile810Thr). This variant is present in population databases (no rsID available, gnomAD 0.003%). This variant has not been reported in the literature in individuals affected with VPS13A-related conditions. ClinVar contains an entry for this variant (Variation ID: 1983321). Algorithms developed to predict the effect of missense changes on protein structure and function output the following: SIFT: "Not Available"; PolyPhen-2: "Benign"; Align-GVGD: "Not Available". The threonine amino acid residue is found in multiple mammalian species, which suggests that this missense change does not adversely affect protein function. In summary, the available evidence is currently insufficient to determine the role of this variant in disease. Therefore, it has been classified as a Variant of Uncertain Significance.

NM_033305.3(VPS13A):c.2429T>C (p.Ile810Thr)

Gene: VPS13A (vacuolar protein sorting 13 homolog A; plus strand). Cytogenetic location: 9q21.2.
Variant type: single nucleotide variant.
Coding change: c.2429T>C on transcript NM_033305.3 (MANE Select); coding-DNA position 2429, T replaced by C.
Protein change: p.Ile810Thr; replaces isoleucine 810 with threonine.
Molecular consequence: missense variant.
Genome position (GRCh38, 1-based): chr9:77,273,281, T>C. VCF-style: chr9-77273281-T-C. GRCh37 (hg19) VCF-style: chr9-79888197-T-C.
Other names: c.2429T>C, p.Ile810Thr (NM_001018037.2, NM_001018038.3, NM_015186.4); short protein forms I810T.
Identifiers: ClinVar variation 1983321 (VCV001983321.3), dbSNP rs1432845614, ClinGen allele CA373843456.